The following is an entry in ClinVar:

ClinVar aggregate classification (germline): Conflicting classifications of pathogenicity. Review status: criteria provided, conflicting classifications (1 of 4 stars). 19 submissions from 15 submitters: Uncertain significance (3); Benign (7); Likely benign (6). 3 of the submissions do not count toward it. Last evaluated 2026-01-24.

Conditions:
TTN-related disorder. Also called: TTN-related condition; TTN-related disease; TTN-related disorders.
Cardiovascular phenotype. Identifiers: MedGen CN230736.
Dilated cardiomyopathy 1G (CMD1G). Identifiers: Orphanet 154, MedGen C1858763, MONDO:0011400, OMIM 604145.
Autosomal recessive limb-girdle muscular dystrophy type 2J (LGMDR10). Also called: Limb-girdle muscular dystrophy, type 2J; MUSCULAR DYSTROPHY, LIMB-GIRDLE, AUTOSOMAL RECESSIVE 10. Identifiers: Orphanet 140922, MedGen C1837342, MONDO:0012127, OMIM 608807.
Cardiomyopathy (CMYO). Also called: Cardiomyopathies. Identifiers: Orphanet 167848, MedGen C0878544, MONDO:0004994, HP:0001638. Inheritance: Various modes of inheritance.
Early-onset myopathy with fatal cardiomyopathy (CMYO5). Also called: Salih Myopathy; CONGENITAL MYOPATHY 5 WITH CARDIOMYOPATHY. Identifiers: Orphanet 289377, MedGen C2673677, MONDO:0012714, OMIM 611705. Disease mechanism: loss of function.
Myopathy, myofibrillar, 9, with early respiratory failure (MFM9). Also called: Hereditary myopathy with early respiratory failure; Myopathy, distal, with early respiratory failure, autosomal dominant; EDSTROM MYOPATHY; MYOPATHY, PROXIMAL, WITH EARLY RESPIRATORY MUSCLE INVOLVEMENT. Identifiers: Orphanet 178464, Orphanet 34521, MedGen C1863599, MONDO:0011362, OMIM 603689.
Tibial muscular dystrophy (TMD). Also called: Udd Distal Myopathy – Tibial Muscular Dystrophy; Tibial muscular dystrophy, tardive; UDD MYOPATHY. Identifiers: Orphanet 609, MedGen C1838244, MONDO:0010870, OMIM 600334.

Allele frequency attached by ClinVar (database versions not stated): gnomAD exomes 0.00007 and 0.00016; 1000 Genomes Project 30x 0.00016; 1000 Genomes Project 0.00020; ExAC 0.00022; TOPMed 0.00090; ESP Exome Variant Server 0.00091; gnomAD 0.00093.
gnomAD v4.1: 230 of 1,613,600 alleles (0.014%); highest among the groups gnomAD compares: African/African-American, 0.28%; 1 homozygote.

Submissions (19):

Labcorp Genetics (formerly Invitae), Labcorp
Classification: Benign for Dilated cardiomyopathy 1G; Autosomal recessive limb-girdle muscular dystrophy type 2J. Last evaluated: 2026-01-24. Review status: criteria provided, single submitter. Criteria: Invitae Variant Classification Sherloc (09022015). Collection method: clinical testing. Allele origin: germline.

Women's Health and Genetics/Laboratory Corporation of America, LabCorp
Classification: Likely benign. Last evaluated: 2025-04-25. Review status: criteria provided, single submitter. Criteria: LabCorp Variant Classification Summary - May 2015. Collection method: clinical testing. Allele origin: germline.

Molecular Diagnostic Laboratory for Inherited Cardiovascular Disease, Montreal Heart Institute
Classification: Benign. Last evaluated: 2025-04-09. Review status: criteria provided, single submitter. Criteria: ACMG Guidelines, 2015. Collection method: clinical testing. Allele origin: germline. Affected: no.
Comment: BS1;BP6;BP7

Mayo Clinic Laboratories, Mayo Clinic
Classification: Likely benign. Last evaluated: 2025-02-03. Review status: criteria provided, single submitter. Criteria: ACMG Guidelines, 2015. Collection method: clinical testing. Allele origin: germline. Observed: 1 variant allele.
Comment: BP4, BP7

CeGaT Center for Human Genetics Tuebingen
Classification: Likely benign. Last evaluated: 2024-04-01. Review status: criteria provided, single submitter. Criteria: CeGaT Center For Human Genetics Tuebingen Variant Classification Criteria Version 2. Collection method: clinical testing. Allele origin: germline. Affected: yes. Observed: 1 variant allele.
Comment: TTN: BP4, BP7

Blueprint Genetics
Classification: Likely benign. Last evaluated: 2022-10-14. Review status: criteria provided, single submitter. Criteria: ACMG Guidelines, 2015. Collection method: clinical testing. Allele origin: germline.

Eurofins Ntd Llc (ga)
Classification: Likely benign. Last evaluated: 2018-07-03. Review status: criteria provided, single submitter. Criteria: EGL ClinVar v180209 classification definitions. Collection method: clinical testing. Allele origin: germline. Observed: 4 variant alleles, 4 heterozygotes.

Illumina Laboratory Services, Illumina
Classification: Uncertain significance for Autosomal recessive limb-girdle muscular dystrophy type 2J. Last evaluated: 2018-01-13. Review status: criteria provided, single submitter. Criteria: ICSL Variant Classification Criteria 13 December 2019. Collection method: clinical testing. Allele origin: germline.

Illumina Laboratory Services, Illumina
Classification: Uncertain significance for Early-onset myopathy with fatal cardiomyopathy. Last evaluated: 2018-01-13. Review status: criteria provided, single submitter. Criteria: ICSL Variant Classification Criteria 13 December 2019. Collection method: clinical testing. Allele origin: germline.

Illumina Laboratory Services, Illumina
Classification: Uncertain significance for Dilated cardiomyopathy 1G. Last evaluated: 2018-01-13. Review status: criteria provided, single submitter. Criteria: ICSL Variant Classification Criteria 13 December 2019. Collection method: clinical testing. Allele origin: germline.

Illumina Laboratory Services, Illumina
Classification: Benign for Myopathy, myofibrillar, 9, with early respiratory failure. Last evaluated: 2018-01-13. Review status: criteria provided, single submitter. Criteria: ICSL Variant Classification Criteria 13 December 2019. Collection method: clinical testing. Allele origin: germline.
Comment: This variant was observed in the ICSL laboratory as part of a predisposition screen in an ostensibly healthy population. It had not been previously curated by ICSL or reported in the Human Gene Mutation Database (HGMD: prior to June 1st, 2018), and was therefore a candidate for classification through an automated scoring system. Utilizing variant allele frequency, disease prevalence and penetrance estimates, and inheritance mode, an automated score was calculated to assess if this variant is too frequent to cause the disease. Based on the score and internal cut-off values, a variant classified as benign is not then subjected to further curation. The score for this variant resulted in a classification of benign for this disease.

Illumina Laboratory Services, Illumina
Classification: Benign for Tibial muscular dystrophy. Last evaluated: 2018-01-13. Review status: criteria provided, single submitter. Criteria: ICSL Variant Classification Criteria 13 December 2019. Collection method: clinical testing. Allele origin: germline.
Comment: the same text as in the submission from Illumina Laboratory Services, Illumina above.

CHEO Genetics Diagnostic Laboratory, Children's Hospital of Eastern Ontario
Classification: Benign for Cardiomyopathy. Last evaluated: 2017-08-04. Review status: criteria provided, single submitter. Criteria: ACMG Guidelines, 2015. Collection method: clinical testing. Allele origin: germline. Study: Canadian Open Genetics Repository.

Ambry Genetics
Classification: Likely benign for Cardiovascular phenotype. Last evaluated: 2015-12-02. Review status: criteria provided, single submitter. Criteria: Ambry Variant Classification Scheme 2023. Collection method: clinical testing. Allele origin: germline.

GeneDx
Classification: Benign. Last evaluated: 2015-05-05. Review status: criteria provided, single submitter. Criteria: GeneDx Variant Classification (06012015). Collection method: clinical testing. Allele origin: germline. Affected: yes.
Comment: This variant is considered likely benign or benign based on one or more of the following criteria: it is a conservative change, it occurs at a poorly conserved position in the protein, it is predicted to be benign by multiple in silico algorithms, and/or has population frequency not consistent with disease.

Laboratory for Molecular Medicine, Mass General Brigham Personalized Medicine
Classification: Benign. Last evaluated: 2012-04-10. Review status: criteria provided, single submitter. Criteria: LMM Criteria. Collection method: clinical testing. Allele origin: germline. Observed: 4 variant alleles.
Comment: 0.3% (n=10 alleles) in AA (ESP)

PreventionGenetics, part of Exact Sciences
Classification: Likely benign for TTN-related condition. Last evaluated: 2021-02-15. Review status: no assertion criteria provided. Collection method: clinical testing. Allele origin: germline. Not counted in ClinVar's aggregate classification.
Comment: This variant is classified as likely benign based on ACMG/AMP sequence variant interpretation guidelines (Richards et al. 2015 PMID: 25741868, with internal and published modifications).

Clinical Genetics DNA and cytogenetics Diagnostics Lab, Erasmus MC, Erasmus Medical Center
Classification: Likely benign. Review status: no assertion criteria provided. Collection method: clinical testing. Allele origin: germline. Affected: yes. Study: VKGL Data-share Consensus. Not counted in ClinVar's aggregate classification.

Clinical Genetics, Academic Medical Center
Classification: Benign. Review status: no assertion criteria provided. Collection method: clinical testing. Allele origin: germline. Affected: yes. Study: VKGL Data-share Consensus. Not counted in ClinVar's aggregate classification.

NM_001267550.2(TTN):c.88485C>T (p.Leu29495=)

Genes: TTN (titin; minus strand), TTN-AS1 (TTN antisense RNA 1; plus strand). Cytogenetic location: 2q31.2.
Variant type: single nucleotide variant.
Coding change: c.88485C>T on transcript NM_001267550.2 (MANE Select); coding-DNA position 88485, C replaced by T.
Protein change: p.Leu29495=; no amino-acid change (leucine 29495 retained).
Molecular consequence: synonymous variant.
Genome position (GRCh38, 1-based): chr2:178,554,974, G>A on the plus strand (C>T on the coding strand, the complement: TTN is on the minus strand). VCF-style: chr2-178554974-G-A. GRCh37 (hg19) VCF-style: chr2-179419701-G-A.
Other names: p.Leu26927=; c.83562C>T, p.Leu27854= (NM_001256850.1); c.61290C>T, p.Leu20430= (NM_003319.4); c.80781C>T, p.Leu26927= (NM_133378.4); c.61665C>T, p.Leu20555= (NM_133432.3); c.61866C>T, p.Leu20622= (NM_133437.4).
Identifiers: ClinVar variation 47481 (VCV000047481.55), dbSNP rs371612136, ClinGen allele CA141142.